The following is an entry in ClinVar:

ClinVar aggregate classification (germline): Uncertain significance (1 of 4 stars; one submission).

Conditions:
Ataxia-telangiectasia syndrome (AT). Also called: Ataxia-telangiectasia, complementation group D; AT, COMPLEMENTATION GROUP C; Ataxia-telangiectasia; Ataxia telangiectasia (A-T); LOUIS-BAR SYNDROME; Cerebello-oculocutaneous telangiectasia. Identifiers: Orphanet 100, MedGen C0004135, MONDO:0008840, OMIM 208900.

Submission:

Labcorp Genetics (formerly Invitae), Labcorp
Classification: Uncertain significance for Ataxia-telangiectasia syndrome. Last evaluated: 2025-05-11. Review status: criteria provided, single submitter. Criteria: Invitae Variant Classification Sherloc (09022015). Collection method: clinical testing. Allele origin: germline.
Comment: This sequence change replaces methionine, which is neutral and non-polar, with leucine, which is neutral and non-polar, at codon 125 of the ATM protein (p.Met125Leu). This variant is not present in population databases (gnomAD no frequency). This variant has not been reported in the literature in individuals affected with ATM-related conditions. Invitae Evidence Modeling of protein sequence and biophysical properties (such as structural, functional, and spatial information, amino acid conservation, physicochemical variation, residue mobility, and thermodynamic stability) indicates that this missense variant is not expected to disrupt ATM protein function with a negative predictive value of 95%. In summary, the available evidence is currently insufficient to determine the role of this variant in disease. Therefore, it has been classified as a Variant of Uncertain Significance.

NM_000051.4(ATM):c.373A>C (p.Met125Leu)

Gene: ATM (ATM serine/threonine kinase; plus strand). Cytogenetic location: 11q22.3.
Variant type: single nucleotide variant.
Coding change: c.373A>C on transcript NM_000051.4 (MANE Select); coding-DNA position 373, A replaced by C.
Protein change: p.Met125Leu; replaces methionine 125 with leucine.
Molecular consequence: missense variant.
Genome position (GRCh38, 1-based): chr11:108,235,711, A>C. VCF-style: chr11-108235711-A-C. GRCh37 (hg19) VCF-style: chr11-108106438-A-C.
Other names: c.373A>C, p.Met125Leu (NM_001351834.2); short protein forms M125L.
Identifiers: ClinVar variation 4747157 (VCV004747157.1).